The following is an entry in ClinVar:

ClinVar aggregate classification (germline): Uncertain significance (1 of 4 stars; one submission).

Conditions:
Hereditary cancer-predisposing syndrome. Also called: Hereditary Cancer Syndrome; Neoplastic Syndromes, Hereditary; Tumor predisposition; Hereditary neoplastic syndrome. Identifiers: Orphanet 140162, MedGen C0027672, MeSH D009386, MONDO:0015356.

Submission:

Ambry Genetics
Classification: Uncertain significance for Hereditary cancer-predisposing syndrome. Last evaluated: 2026-07-07. Review status: criteria provided, single submitter. Criteria: Ambry Variant Classification Scheme 2023. Collection method: clinical testing. Allele origin: germline.
Comment: The p.N568T variant (also known as c.1703A>C), located in coding exon 14 of the EGFR gene, results from an A to C substitution at nucleotide position 1703. The asparagine at codon 568 is replaced by threonine, an amino acid with similar properties. This amino acid position is conserved. In addition, this alteration is predicted to be tolerated by in silico analysis. Based on the available evidence, the clinical significance of this variant remains unclear.

NM_005228.5(EGFR):c.1703A>C (p.Asn568Thr)

Gene: EGFR (epidermal growth factor receptor; plus strand). Cytogenetic location: 7p11.2.
Variant type: single nucleotide variant.
Coding change: c.1703A>C on transcript NM_005228.5 (MANE Select); coding-DNA position 1703, A replaced by C.
Protein change: p.Asn568Thr; replaces asparagine 568 with threonine.
Molecular consequence: missense variant.
Genome position (GRCh38, 1-based): chr7:55,163,804, A>C. VCF-style: chr7-55163804-A-C. GRCh37 (hg19) VCF-style: chr7-55231497-A-C.
Other names: c.1544A>C, p.Asn515Thr (NM_001346900.2); c.902A>C, p.Asn301Thr (NM_001346941.2); c.1703A>C, p.Asn568Thr (NM_201282.2, NM_201284.2, NM_001346898.2); c.1568A>C, p.Asn523Thr (NM_001346897.2, NM_001346899.2); short protein forms N568T, N523T, N515T, N301T.
Identifiers: ClinVar variation 5035780 (VCV005035780.1).